The following is an entry in ClinVar:

ClinVar aggregate classification (germline): Uncertain significance. Review status: criteria provided, multiple submitters, no conflicts (2 of 4 stars). 2 submissions from 2 submitters: Uncertain significance (2). Last evaluated 2025-09-28.

Conditions:
Neurofibromatosis, type 1 (NF1). Also called: VON RECKLINGHAUSEN DISEASE; NEUROFIBROMATOSIS, TYPE I, SOMATIC; Peripheral type neurofibromatosis; Neurofibromatosis, type I. Identifiers: Orphanet 636, MedGen C0027831, MONDO:0018975, OMIM 162200. Disease mechanism: loss of function.
Cardiovascular phenotype. Identifiers: MedGen CN230736.
Hereditary cancer-predisposing syndrome. Also called: Neoplastic Syndromes, Hereditary; Tumor predisposition; Hereditary neoplastic syndrome; Hereditary Cancer Syndrome. Identifiers: Orphanet 140162, MedGen C0027672, MeSH D009386, MONDO:0015356.

Submissions (2):

Labcorp Genetics (formerly Invitae), Labcorp
Classification: Uncertain significance for Neurofibromatosis, type 1. Last evaluated: 2025-09-28. Review status: criteria provided, single submitter. Criteria: Invitae Variant Classification Sherloc (09022015). Collection method: clinical testing. Allele origin: germline.
Comment: This sequence change replaces glutamic acid, which is acidic and polar, with lysine, which is basic and polar, at codon 1330 of the NF1 protein (p.Glu1330Lys). This variant is not present in population databases (gnomAD no frequency). This variant has not been reported in the literature in individuals affected with NF1-related conditions. ClinVar contains an entry for this variant (Variation ID: 527600). Invitae Evidence Modeling of protein sequence and biophysical properties (such as structural, functional, and spatial information, amino acid conservation, physicochemical variation, residue mobility, and thermodynamic stability) indicates that this missense variant is expected to disrupt NF1 protein function with a positive predictive value of 95%. In summary, the available evidence is currently insufficient to determine the role of this variant in disease. Therefore, it has been classified as a Variant of Uncertain Significance.

Ambry Genetics
Classification: Uncertain significance for Cardiovascular phenotype; Hereditary cancer-predisposing syndrome. Last evaluated: 2023-11-15. Review status: criteria provided, single submitter. Criteria: Ambry Variant Classification Scheme 2023. Collection method: clinical testing. Allele origin: germline.
Comment: The p.E1330K variant (also known as c.3988G>A), located in coding exon 30 of the NF1 gene, results from a G to A substitution at nucleotide position 3988. The glutamic acid at codon 1330 is replaced by lysine, an amino acid with similar properties. This amino acid position is highly conserved in available vertebrate species. In addition, this alteration is predicted to be deleterious by in silico analysis. Since supporting evidence is limited at this time, the clinical significance of this alteration remains unclear.

NM_001042492.3(NF1):c.3988G>A (p.Glu1330Lys)

Gene: NF1 (neurofibromin 1; plus strand). Cytogenetic location: 17q11.2.
Variant type: single nucleotide variant.
Coding change: c.3988G>A on transcript NM_001042492.3 (MANE Select); coding-DNA position 3988, G replaced by A.
Protein change: p.Glu1330Lys; replaces glutamic acid 1330 with lysine.
Molecular consequence: missense variant.
Genome position (GRCh38, 1-based): chr17:31,248,997, G>A. VCF-style: chr17-31248997-G-A. GRCh37 (hg19) VCF-style: chr17-29576015-G-A.
Other names: c.3988G>A, p.Glu1330Lys (NM_000267.4); short protein forms E1330K.
Identifiers: ClinVar variation 527600 (VCV000527600.8), dbSNP rs1483311407, ClinGen allele CA398994831.